The following is an entry in ClinVar:

ClinVar aggregate classification (germline): Uncertain significance (1 of 4 stars; one submission).

Conditions:
Progressive myoclonic epilepsy type 5. Identifiers: Orphanet 402082, MedGen C5190799.

Allele frequency attached by ClinVar (database versions not stated): ExAC 0.00001; gnomAD 0.00001; gnomAD exomes 0.00001 and 0.00005; TOPMed 0.00002.
gnomAD v4.1: 80 of 1,584,928 alleles (0.005%); highest among the groups gnomAD compares: Non-Finnish European, 0.0063%; no homozygotes.

Submission:

Labcorp Genetics (formerly Invitae), Labcorp
Classification: Uncertain significance for Progressive myoclonic epilepsy type 5. Last evaluated: 2024-09-10. Review status: criteria provided, single submitter. Criteria: Invitae Variant Classification Sherloc (09022015). Collection method: clinical testing. Allele origin: germline.
Comment: This sequence change replaces arginine, which is basic and polar, with cysteine, which is neutral and slightly polar, at codon 705 of the PRICKLE2 protein (p.Arg705Cys). This variant is present in population databases (rs766598630, gnomAD 0.004%). This variant has not been reported in the literature in individuals affected with PRICKLE2-related conditions. ClinVar contains an entry for this variant (Variation ID: 1017891). Invitae Evidence Modeling of protein sequence and biophysical properties (such as structural, functional, and spatial information, amino acid conservation, physicochemical variation, residue mobility, and thermodynamic stability) indicates that this missense variant is not expected to disrupt PRICKLE2 protein function with a negative predictive value of 80%. In summary, the available evidence is currently insufficient to determine the role of this variant in disease. Therefore, it has been classified as a Variant of Uncertain Significance.

NM_198859.4(PRICKLE2):c.2113C>T (p.Arg705Cys)

Genes: PRICKLE2 (prickle planar cell polarity protein 2; minus strand), PRICKLE2-AS1 (PRICKLE2 antisense RNA 1; plus strand). Cytogenetic location: 3p14.1.
Variant type: single nucleotide variant.
Coding change: c.2113C>T on transcript NM_198859.4 (MANE Select); coding-DNA position 2113, C replaced by T.
Protein change: p.Arg705Cys; replaces arginine 705 with cysteine.
Molecular consequence: missense variant. On other transcripts: non-coding transcript variant (1).
Genome position (GRCh38, 1-based): chr3:64,099,473, G>A on the plus strand (C>T on the coding strand, the complement: PRICKLE2 is on the minus strand). VCF-style: chr3-64099473-G-A. GRCh37 (hg19) VCF-style: chr3-64085149-G-A.
Other names: c.2113C>T, p.Arg705Cys (NM_001370528.1); short protein forms R705C.
Identifiers: ClinVar variation 1017891 (VCV001017891.5), dbSNP rs766598630, ClinGen allele CA2479491.
Genomic context (GRCh38, chr3:64,099,473, plus strand): 5'-GGTCATAGTCCTCCCTGGCTCTCAGAGGGGGCCTATCTTTTAACCGGGAGATGGCCTCGC[G>A]TTCGCTGGCCAGGTGGAGGGCGTTGTCGGAGCGAGAGCGTCGGGAACGCCTGGACCTGTG-3'
Protein context (NP_942559.1, residues 695-715): SDNALHLASE[Arg705Cys]EAISRLKDRP